The following is an entry in ClinVar:

NM_000124.4(ERCC6):c.2759G>A (p.Gly920Asp)

Genes: ERCC6 (ERCC excision repair 6, chromatin remodeling factor; minus strand), LOC126860933 (BRD4-independent group 4 enhancer GRCh37_chr10:50679962-50681161; plus strand). Cytogenetic location: 10q11.23.
Variant type: single nucleotide variant.
Coding change: c.2759G>A on transcript NM_000124.4 (MANE Select); coding-DNA position 2759, G replaced by A.
Protein change: p.Gly920Asp; replaces glycine 920 with aspartic acid.
Molecular consequence: missense variant.
Genome position (GRCh38, 1-based): chr10:49,472,979, C>T on the plus strand (G>A on the coding strand, the complement: ERCC6 is on the minus strand). VCF-style: chr10-49472979-C-T. GRCh37 (hg19) VCF-style: chr10-50681025-C-T.
Other names: c.2759G>A, p.Gly920Asp (NM_001346440.2); short protein forms G920D.
Identifiers: ClinVar variation 1502484 (VCV001502484.6), dbSNP rs1318015125, ClinGen allele CA376719357.
Genomic context (GRCh38, chr10:49,472,979, plus strand): 5'-GTGCTTGGGTTCCAGTCTGGGTCATAGATGACAACTCTGTTTGCCCCCGTCAGGTTGACA[C>T]CTAAGCCGCCCACCCGCGTGGTCAGAAGAAACACAAATATGGATGTGTCCTAGAGGTAAG-3'
Protein context (NP_000115.1, residues 910-930): FLLTTRVGGL[Gly920Asp]VNLTGANRVV

ClinVar aggregate classification (germline): Uncertain significance (1 of 4 stars; one submission).

Allele frequency attached by ClinVar (database versions not stated): gnomAD exomes below 0.00001; gnomAD 0.00001; TOPMed 0.00001.
gnomAD v4.1: 2 of 1,614,044 alleles (0.00012%); highest among the groups gnomAD compares: African/African-American, 0.0013%; no homozygotes.

Submission:

Labcorp Genetics (formerly Invitae), Labcorp
Classification: Uncertain significance. Last evaluated: 2023-10-16. Review status: criteria provided, single submitter. Criteria: Invitae Variant Classification Sherloc (09022015). Collection method: clinical testing. Allele origin: germline.
Comment: This sequence change replaces glycine, which is neutral and non-polar, with aspartic acid, which is acidic and polar, at codon 920 of the ERCC6 protein (p.Gly920Asp). This variant is not present in population databases (gnomAD no frequency). This variant has not been reported in the literature in individuals affected with ERCC6-related conditions. ClinVar contains an entry for this variant (Variation ID: 1502484). Advanced modeling of protein sequence and biophysical properties (such as structural, functional, and spatial information, amino acid conservation, physicochemical variation, residue mobility, and thermodynamic stability) performed at Invitae indicates that this missense variant is expected to disrupt ERCC6 protein function. In summary, the available evidence is currently insufficient to determine the role of this variant in disease. Therefore, it has been classified as a Variant of Uncertain Significance.